The following is an entry in ClinVar:

ClinVar aggregate classification (germline): Benign (1 of 4 stars; one submission).

Conditions:
Warburg micro syndrome 3 (WARBM3). Also called: MICRO SYNDROME 3. Identifiers: Orphanet 2510, MedGen C3280203, MONDO:0013638, OMIM 614222.

Allele frequency attached by ClinVar (database versions not stated): TOPMed 0.00002; 1000 Genomes Project 0.00140; 1000 Genomes Project 30x 0.00156; gnomAD exomes 0.00212 and 0.00230; ExAC 0.00938.
gnomAD v4.1: 720 of 454,070 alleles (0.16%); highest among the groups gnomAD compares: South Asian, 1.1%; 8 homozygotes.

Submission:

Illumina Laboratory Services, Illumina
Classification: Benign for Warburg micro syndrome 3. Last evaluated: 2018-01-12. Review status: criteria provided, single submitter. Criteria: ICSL Variant Classification Criteria 13 December 2019. Collection method: clinical testing. Allele origin: germline.
Comment: This variant was observed in the ICSL laboratory as part of a predisposition screen in an ostensibly healthy population. It had not been previously curated by ICSL or reported in the Human Gene Mutation Database (HGMD: prior to June 1st, 2018), and was therefore a candidate for classification through an automated scoring system. Utilizing variant allele frequency, disease prevalence and penetrance estimates, and inheritance mode, an automated score was calculated to assess if this variant is too frequent to cause the disease. Based on the score and internal cut-off values, a variant classified as benign is not then subjected to further curation. The score for this variant resulted in a classification of benign for this disease.

NM_021252.5(RAB18):c.*4131A>G

Gene: RAB18 (RAB18, member RAS oncogene family; plus strand). Cytogenetic location: 10p12.1.
Variant type: single nucleotide variant.
Coding change: c.*4131A>G on transcript NM_021252.5 (MANE Select); 4131 bases downstream of the stop codon, A replaced by G.
Molecular consequence: 3 prime UTR variant. On other transcripts: non-coding transcript variant (1).
Genome position (GRCh38, 1-based): chr10:27,542,182, A>G. VCF-style: chr10-27542182-A-G. GRCh37 (hg19) VCF-style: chr10-27831111-A-G.
Other names: c.*4131A>G (NM_001256410.2, NM_001256412.2); c.*4091A>G (NM_001256411.2).
Identifiers: ClinVar variation 880447 (VCV000880447.4), dbSNP rs540759797, ClinGen allele CA5452625.
Genomic context (GRCh38, chr10:27,542,182, plus strand): 5'-GTGAGAGGGAGTCTATTGGAGCCCTTGGGAACTTCTGGATCAAATTGGACCTGAATTGAG[A>G]TCTATTTCTCAGCTTTCACTTATGTGAGCCAATAAATTCCTTTTTTGTTGAAGGCAATTT-3'